The following is an entry in ClinVar:

ClinVar aggregate classification (germline): Uncertain significance (1 of 4 stars; one submission).

Conditions:
Hereditary cancer-predisposing syndrome. Also called: Neoplastic Syndromes, Hereditary; Tumor predisposition; Hereditary neoplastic syndrome; Hereditary Cancer Syndrome. Identifiers: Orphanet 140162, MedGen C0027672, MeSH D009386, MONDO:0015356.

Submission:

Ambry Genetics
Classification: Uncertain significance for Hereditary cancer-predisposing syndrome. Last evaluated: 2026-07-06. Review status: criteria provided, single submitter. Criteria: Ambry Variant Classification Scheme 2023. Collection method: clinical testing. Allele origin: germline.
Comment: The p.I753V variant (also known as c.2257A>G), located in coding exon 22 of the RB1 gene, results from an A to G substitution at nucleotide position 2257. The isoleucine at codon 753 is replaced by valine, an amino acid with highly similar properties. This amino acid position is conserved. In addition, this alteration is predicted to be deleterious by in silico analysis. Based on the available evidence, the clinical significance of this variant remains unclear.

NM_000321.3(RB1):c.2257A>G (p.Ile753Val)

Gene: RB1 (RB transcriptional corepressor 1; plus strand). Cytogenetic location: 13q14.2.
Variant type: single nucleotide variant.
Coding change: c.2257A>G on transcript NM_000321.3 (MANE Select); coding-DNA position 2257, A replaced by G.
Protein change: p.Ile753Val; replaces isoleucine 753 with valine.
Molecular consequence: missense variant.
Genome position (GRCh38, 1-based): chr13:48,465,043, A>G. VCF-style: chr13-48465043-A-G. GRCh37 (hg19) VCF-style: chr13-49039179-A-G.
Other names: c.2257A>G, p.Ile753Val (NM_001407165.1); short protein forms I753V.
Identifiers: ClinVar variation 5027939 (VCV005027939.1).